The following is an entry in ClinVar:

NM_206933.4(USH2A):c.9454C>T (p.Pro3152Ser)

Gene: USH2A (usherin; minus strand). Cytogenetic location: 1q41.
Variant type: single nucleotide variant.
Coding change: c.9454C>T on transcript NM_206933.4 (MANE Select); coding-DNA position 9454, C replaced by T.
Protein change: p.Pro3152Ser; replaces proline 3152 with serine.
Molecular consequence: missense variant.
Genome position (GRCh38, 1-based): chr1:215,817,113, G>A on the plus strand (C>T on the coding strand, the complement: USH2A is on the minus strand). VCF-style: chr1-215817113-G-A. GRCh37 (hg19) VCF-style: chr1-215990455-G-A.
Other names: short protein forms P3152S.
Identifiers: ClinVar variation 3896410 (VCV003896410.2).

ClinVar aggregate classification (germline): Uncertain significance (1 of 4 stars; one submission).

gnomAD v4.1: 5 of 1,612,652 alleles (0.00031%); highest among the groups gnomAD compares: Non-Finnish European, 0.00042%; no homozygotes.

Submission:

Women's Health and Genetics/Laboratory Corporation of America, LabCorp
Classification: Uncertain significance. Last evaluated: 2025-04-08. Review status: criteria provided, single submitter. Criteria: LabCorp Variant Classification Summary - May 2015. Collection method: clinical testing. Allele origin: germline.
Comment: Variant summary: USH2A c.9454C>T (p.Pro3152Ser) results in a non-conservative amino acid change in the encoded protein sequence. Four of five in-silico tools predict a benign effect of the variant on protein function. The variant was absent in 250412 control chromosomes. The available data on variant occurrences in the general population are insufficient to allow any conclusion about variant significance. To our knowledge, no occurrence of c.9454C>T in individuals affected with Usher Syndrome and no experimental evidence demonstrating its impact on protein function have been reported. No submitters have cited clinical-significance assessments for this variant to ClinVar. Based on the evidence outlined above, the variant was classified as uncertain significance.